The following is an entry in ClinVar:

NM_001040142.2(SCN2A):c.2877C>A (p.Cys959Ter)

Gene: SCN2A (sodium voltage-gated channel alpha subunit 2; plus strand). Cytogenetic location: 2q24.3.
Variant type: single nucleotide variant.
Coding change: c.2877C>A on transcript NM_001040142.2 (MANE Select); coding-DNA position 2877, C replaced by A.
Protein change: p.Cys959Ter; replaces cysteine 959 with a stop codon.
Molecular consequence: nonsense.
Genome position (GRCh38, 1-based): chr2:165,344,869, C>A. VCF-style: chr2-165344869-C-A. GRCh37 (hg19) VCF-style: chr2-166201379-C-A.
Other names: NM_001040142.2(SCN2A):c.2877C>A; p.Cys959Ter; c.2877C>A, p.Cys959Ter (NM_001040143.2, NM_001371246.1, NM_001371247.1 and 1 more transcripts); short protein forms C959*.
Identifiers: ClinVar variation 410979 (VCV000410979.11), dbSNP rs746163041, ClinGen allele CA16610183.

ClinVar aggregate classification (germline): Pathogenic. Review status: criteria provided, multiple submitters, no conflicts (2 of 4 stars). 3 submissions from 3 submitters: Pathogenic (3). Last evaluated 2025-03-12.

Conditions:
Seizures, benign familial infantile, 3 (BFIS3). Also called: CONVULSIONS, BENIGN FAMILIAL INFANTILE, 3; Familial neonatal seizures. Identifiers: Orphanet 140927, Orphanet 306, MedGen C1843140, MONDO:0011904, OMIM 607745.
Developmental and epileptic encephalopathy, 11 (DEE11). Also called: Early infantile epileptic encephalopathy 11. Identifiers: Orphanet 1934, MedGen C3150987, MONDO:0013388, OMIM 613721.
Complex neurodevelopmental disorder. Identifiers: Orphanet 528084, MedGen C5568766, MONDO:0100038.

Submissions (3):

GeneDx
Classification: Pathogenic. Last evaluated: 2025-03-12. Review status: criteria provided, single submitter. Criteria: GeneDx Variant Classification Process June 2021. Collection method: clinical testing. Allele origin: germline. Affected: yes.
Comment: Published functional studies demonstrate altered sodium currents (PMID: 28256214); Nonsense variant predicted to result in protein truncation or nonsense mediated decay in a gene for which loss-of-function is a known mechanism of disease; Not observed in large population cohorts (gnomAD); This variant is associated with the following publications: (PMID: 24866042, 24878448, 24859339, 22495306, 25363768, 28191890, 31332282, 28714951, 31981491, 31785789, 33004838, 35982160, 28867142, 37595579, 36368308, 35982159, 37463579, ZhangJ2025[Preprint], 28256214)

Broad Center for Mendelian Genomics, Broad Institute of MIT and Harvard
Classification: Pathogenic for Developmental and epileptic encephalopathy, 11. Last evaluated: 2022-08-25. Review status: criteria provided, single submitter. Criteria: ACMG Guidelines, 2015. Collection method: curation. Allele origin: germline. Inheritance: Autosomal dominant inheritance. Affected: yes.
Comment: Trio exome analysis showed this variant to be de novo. The p.Cys959Ter variant in SCN2A was found to be de novo in 2 individuals with neurodevelopmental disorders (PMID: 22495306, 24859339), and was absent from large population studies. This variant has also been reported in ClinVar (Variation ID#: 410979) and has been interpreted as pathogenic by Invitae and GenomeConnect - Simons Searchlight. In vitro functional studies provide some evidence that the p.Cys959Ter variant may impact protein function (PMID: 28256214). However, these types of assays may not accurately represent biological function. This nonsense variant leads to a premature termination codon at position 959, which is predicted to lead to a truncated or absent protein. Heterozygous loss of function of the SCN2A gene is an established disease mechanism in neurodevelopmental disorders. In summary, this variant meets criteria to be classified as pathogenic for autosomal dominant complex neurodevelopmental disorder. ACMG/AMP Criteria applied: PVS1, PS2_moderate, PM2_supporting, PS3_supporting, PS4_supporting (Richards 2015).

Labcorp Genetics (formerly Invitae), Labcorp
Classification: Pathogenic for Seizures, benign familial infantile, 3; Developmental and epileptic encephalopathy, 11. Last evaluated: 2016-08-16. Review status: criteria provided, single submitter. Criteria: Invitae Variant Classification Sherloc (09022015). Collection method: clinical testing. Allele origin: germline.
Comment: For these reasons, this variant has been classified as Pathogenic. Loss-of-function variants in SCN2A are known to be pathogenic. This particular variant has been reported in the literature (PMID: 22495306, 24859339). This sequence change creates a premature translational stop signal at codon 959 (p.Cys959*) of the SCN2A gene. It is expected to result in an absent or disrupted protein product.

Literature cited by the submitters: PubMed 22495306 (cited by Labcorp Genetics (formerly Invitae), Labcorp); PubMed 24859339 (cited by Labcorp Genetics (formerly Invitae), Labcorp).